The following is an entry in ClinVar:

NM_138694.4(PKHD1):c.5365G>T (p.Val1789Phe)

Gene: PKHD1 (PKHD1 ciliary IPT domain containing fibrocystin/polyductin; minus strand). Cytogenetic location: 6p12.2.
Variant type: single nucleotide variant.
Coding change: c.5365G>T on transcript NM_138694.4 (MANE Select); coding-DNA position 5365, G replaced by T.
Protein change: p.Val1789Phe; replaces valine 1789 with phenylalanine.
Molecular consequence: missense variant.
Genome position (GRCh38, 1-based): chr6:52,022,816, C>A on the plus strand (G>T on the coding strand, the complement: PKHD1 is on the minus strand). VCF-style: chr6-52022816-C-A. GRCh37 (hg19) VCF-style: chr6-51887614-C-A.
Other names: c.5365G>T, p.Val1789Phe (NM_170724.3); short protein forms V1789F.
Identifiers: ClinVar variation 4852338 (VCV004852338.1).

ClinVar aggregate classification (germline): Uncertain significance (1 of 4 stars; one submission).

Conditions:
Polycystic kidney disease 4 (PKD4). Also called: POLYCYSTIC KIDNEY AND HEPATIC DISEASE 1; POLYCYSTIC KIDNEY DISEASE, INFANTILE, TYPE I; POLYCYSTIC KIDNEY DISEASE 4 WITH OR WITHOUT POLYCYSTIC LIVER DISEASE; PKD3; Autosomal Recessive Polycystic Kidney Disease – PKHD1. Identifiers: MedGen C4540575, MONDO:0033004, OMIM 263200.

gnomAD v4.1: 13 of 1,614,026 alleles (0.00081%); highest among the groups gnomAD compares: Middle Eastern, 0.016%; no homozygotes.

Submission:

MVZ Medizinische Genetik Mainz
Classification: Uncertain significance for Polycystic kidney disease 4. Last evaluated: 2026-04-20. Review status: criteria provided, single submitter. Criteria: UK Practice Guidelines For Variant Classification V4 01 2020. Collection method: clinical testing. Allele origin: germline. Inheritance: Autosomal recessive inheritance. Affected: yes. Observed: 1 variant allele.
Comment: ACMG Criteria: PM2_SUP,PM5_SUP